The following is an entry in ClinVar:

NM_000117.3(EMD):c.551C>T (p.Thr184Ile)

Gene: EMD (emerin; plus strand). Cytogenetic location: Xq28.
Variant type: single nucleotide variant.
Coding change: c.551C>T on transcript NM_000117.3 (MANE Select); coding-DNA position 551, C replaced by T.
Protein change: p.Thr184Ile; replaces threonine 184 with isoleucine.
Molecular consequence: missense variant.
Genome position (GRCh38, 1-based): chrX:154,380,983, C>T. VCF-style: chrX-154380983-C-T. GRCh37 (hg19) VCF-style: chrX-153609343-C-T.
Other names: short protein forms T184I.
Identifiers: ClinVar variation 2702055 (VCV002702055.1), dbSNP rs1028555428, ClinGen allele CA337290155.

ClinVar aggregate classification (germline): Uncertain significance (1 of 4 stars; one submission).

Conditions:
X-linked Emery-Dreifuss muscular dystrophy. Also called: Muscular dystrophy, tardive Emery-Dreifuss type, with contractures. Identifiers: Orphanet 261, Orphanet 98863, MedGen C0751337, MONDO:0010680.

Allele frequency attached by ClinVar (database versions not stated): TOPMed below 0.00001; gnomAD 0.00001.

Submission:

Labcorp Genetics (formerly Invitae), Labcorp
Classification: Uncertain significance for X-linked Emery-Dreifuss muscular dystrophy. Last evaluated: 2023-07-13. Review status: criteria provided, single submitter. Criteria: Invitae Variant Classification Sherloc (09022015). Collection method: clinical testing. Allele origin: germline.
Comment: Advanced modeling of protein sequence and biophysical properties (such as structural, functional, and spatial information, amino acid conservation, physicochemical variation, residue mobility, and thermodynamic stability) performed at Invitae indicates that this missense variant is not expected to disrupt EMD protein function. This sequence change replaces threonine, which is neutral and polar, with isoleucine, which is neutral and non-polar, at codon 184 of the EMD protein (p.Thr184Ile). This variant is not present in population databases (gnomAD no frequency). This variant has not been reported in the literature in individuals affected with EMD-related conditions. In summary, the available evidence is currently insufficient to determine the role of this variant in disease. Therefore, it has been classified as a Variant of Uncertain Significance.